The following is an entry in ClinVar:

NM_182961.4(SYNE1):c.2474C>T (p.Thr825Met)

Gene: SYNE1 (spectrin repeat containing nuclear envelope protein 1; minus strand). Cytogenetic location: 6q25.2.
Variant type: single nucleotide variant.
Coding change: c.2474C>T on transcript NM_182961.4 (MANE Select); coding-DNA position 2474, C replaced by T.
Protein change: p.Thr825Met; replaces threonine 825 with methionine.
Molecular consequence: missense variant.
Genome position (GRCh38, 1-based): chr6:152,458,851, G>A on the plus strand (C>T on the coding strand, the complement: SYNE1 is on the minus strand). VCF-style: chr6-152458851-G-A. GRCh37 (hg19) VCF-style: chr6-152779986-G-A.
Other names: c.2495C>T, p.Thr832Met (NM_033071.5); c.2495C>T (NM_033071.3); c.2474C>T (NM_182961.2); short protein forms T825M, T832M.
Identifiers: ClinVar variation 1345376 (VCV001345376.8), dbSNP rs777634676, ClinGen allele CA4059130.

ClinVar aggregate classification (germline): Uncertain significance. Review status: criteria provided, multiple submitters, no conflicts (2 of 4 stars). 3 submissions from 3 submitters: Uncertain significance (3). Last evaluated 2025-06-02.

Conditions:
Autosomal recessive ataxia, Beauce type. Also called: SYNE1-Related Autosomal Recessive Cerebellar Ataxia; SYNE1 Deficiency; Spinocerebellar ataxia, autosomal recessive 8; ATAXIA, RECESSIVE, OF BEAUCE. Identifiers: Orphanet 88644, MedGen C1853116, MONDO:0012549, OMIM 610743.
Emery-Dreifuss muscular dystrophy 4, autosomal dominant (EDMD4). Also called: EMERY-DREIFUSS MUSCULAR DYSTROPHY 4 WITH VARIABLE FEATURES. Identifiers: Orphanet 261, MedGen C2751807, MONDO:0013071, OMIM 612998.

Allele frequency attached by ClinVar (database versions not stated): ExAC 0.00002; gnomAD exomes 0.00002; gnomAD 0.00003.
gnomAD v4.1: 30 of 1,613,928 alleles (0.0019%); highest among the groups gnomAD compares: East Asian, 0.0045%; no homozygotes.

Submissions (3):

Athena Diagnostics
Classification: Uncertain significance. Last evaluated: 2025-06-02. Review status: criteria provided, single submitter. Criteria: Athena Diagnostics Criteria. Collection method: clinical testing. Allele origin: unknown.
Comment: Available data are insufficient to determine the clinical significance of the variant at this time. The frequency of this variant in the general population is uninformative in assessment of its pathogenicity. Polyphen and MutationTaster yielded discordant predictions regarding whether this amino acid change is damaging to the protein.

GeneDx
Classification: Uncertain significance. Last evaluated: 2025-04-08. Review status: criteria provided, single submitter. Criteria: GeneDx Variant Classification Process June 2021. Collection method: clinical testing. Allele origin: germline. Affected: yes.
Comment: Not observed at significant frequency in large population cohorts (gnomAD); In silico analysis supports that this missense variant has a deleterious effect on protein structure/function; Has not been previously published as pathogenic or benign to our knowledge

Labcorp Genetics (formerly Invitae), Labcorp
Classification: Uncertain significance for Emery-Dreifuss muscular dystrophy 4, autosomal dominant; Autosomal recessive ataxia, Beauce type. Last evaluated: 2022-10-24. Review status: criteria provided, single submitter. Criteria: Invitae Variant Classification Sherloc (09022015). Collection method: clinical testing. Allele origin: germline.
Comment: This sequence change replaces threonine, which is neutral and polar, with methionine, which is neutral and non-polar, at codon 832 of the SYNE1 protein (p.Thr832Met). In summary, the available evidence is currently insufficient to determine the role of this variant in disease. Therefore, it has been classified as a Variant of Uncertain Significance. Algorithms developed to predict the effect of missense changes on protein structure and function are either unavailable or do not agree on the potential impact of this missense change (SIFT: "Deleterious"; PolyPhen-2: "Benign"; Align-GVGD: "Class C0"). ClinVar contains an entry for this variant (Variation ID: 1345376). This variant has not been reported in the literature in individuals affected with SYNE1-related conditions. This variant is present in population databases (rs777634676, gnomAD 0.01%).